The following is an entry in ClinVar:

NM_001206999.2(CIT):c.3270C>T (p.Ser1090=)

Gene: CIT (citron rho-interacting serine/threonine kinase; minus strand). Cytogenetic location: 12q24.23.
Variant type: single nucleotide variant.
Coding change: c.3270C>T on transcript NM_001206999.2 (MANE Select); coding-DNA position 3270, C replaced by T.
Protein change: p.Ser1090=; no amino-acid change (serine 1090 retained).
Molecular consequence: synonymous variant.
Genome position (GRCh38, 1-based): chr12:119,734,244, G>A on the plus strand (C>T on the coding strand, the complement: CIT is on the minus strand). VCF-style: chr12-119734244-G-A. GRCh37 (hg19) VCF-style: chr12-120172049-G-A.
Other names: c.3144C>T, p.Ser1048= (NM_007174.3).
Identifiers: ClinVar variation 2848827 (VCV002848827.5), dbSNP rs773145311, ClinGen allele CA6821558.

ClinVar aggregate classification (germline): Likely benign. Review status: criteria provided, multiple submitters, no conflicts (2 of 4 stars). 2 submissions from 2 submitters: Likely benign (2). Last evaluated 2026-04-01.

Allele frequency attached by ClinVar (database versions not stated): ExAC 0.00001; gnomAD 0.00002; gnomAD exomes 0.00002.
gnomAD v4.1: 28 of 1,613,692 alleles (0.0017%); highest among the groups gnomAD compares: Admixed American, 0.0033%; no homozygotes.

Submissions (2):

CeGaT Center for Human Genetics Tuebingen
Classification: Likely benign. Last evaluated: 2026-04-01. Review status: criteria provided, single submitter. Criteria: CeGaT Center For Human Genetics Tuebingen Variant Classification Criteria Version 2. Collection method: clinical testing. Allele origin: germline. Affected: yes. Observed: 1 variant allele.
Comment: CIT: BP4, BP7

Labcorp Genetics (formerly Invitae), Labcorp
Classification: Likely benign. Last evaluated: 2024-01-12. Review status: criteria provided, single submitter. Criteria: Invitae Variant Classification Sherloc (09022015). Collection method: clinical testing. Allele origin: germline.